The following is an entry in ClinVar:

NM_005188.4(CBL):c.2444A>C (p.Glu815Ala)

Gene: CBL (Cbl proto-oncogene; plus strand). Cytogenetic location: 11q23.3.
Variant type: single nucleotide variant.
Coding change: c.2444A>C on transcript NM_005188.4 (MANE Select); coding-DNA position 2444, A replaced by C.
Protein change: p.Glu815Ala; replaces glutamic acid 815 with alanine.
Molecular consequence: missense variant.
Genome position (GRCh38, 1-based): chr11:119,299,504, A>C. VCF-style: chr11-119299504-A-C. GRCh37 (hg19) VCF-style: chr11-119170214-A-C.
Other names: c.2444A>C (NM_005188.2); short protein forms E815A.
Identifiers: ClinVar variation 930804 (VCV000930804.4), dbSNP rs1950085293, ClinGen allele CA382931780.

ClinVar aggregate classification (germline): Uncertain significance. Review status: criteria provided, multiple submitters, no conflicts (2 of 4 stars). 2 submissions from 2 submitters: Uncertain significance (2). Last evaluated 2025-07-28.

Conditions:
CBL-related disorder. Also called: NOONAN SYNDROME-LIKE DISORDER WITHOUT JUVENILE MYELOMONOCYTIC LEUKEMIA; CBL MUTATION-ASSOCIATED SYNDROME; CBL SYNDROME. Identifiers: Orphanet 363972, MedGen C3150803, MONDO:0013308, OMIM 613563.
Cardiovascular phenotype. Identifiers: MedGen CN230736.

Allele frequency attached by ClinVar (database versions not stated): gnomAD exomes below 0.00001.
gnomAD v4.1: 1 of 1,614,146 alleles (0.000062%); highest among the groups gnomAD compares: Non-Finnish European, 0.000085%; no homozygotes.

Submissions (2):

Ambry Genetics
Classification: Uncertain significance for Cardiovascular phenotype. Last evaluated: 2025-07-28. Review status: criteria provided, single submitter. Criteria: Ambry Variant Classification Scheme 2023. Collection method: clinical testing. Allele origin: germline.
Comment: The p.E815A variant (also known as c.2444A>C), located in coding exon 16 of the CBL gene, results from an A to C substitution at nucleotide position 2444. The glutamic acid at codon 815 is replaced by alanine, an amino acid with dissimilar properties. This amino acid position is conserved. In addition, the in silico prediction for this alteration is inconclusive. Based on the available evidence, the clinical significance of this variant remains unclear.

Centre for Mendelian Genomics, University Medical Centre Ljubljana
Classification: Uncertain significance for CBL-related disorder. Last evaluated: 2019-08-12. Review status: criteria provided, single submitter. Criteria: ACMG Guidelines, 2015. Collection method: clinical testing. Allele origin: unknown. Affected: yes.
Comment: This variant was classified as: Uncertain significance. The available evidence on this variant's pathogenicity is insufficient or conflicting. The following ACMG criteria were applied in classifying this variant: PM2.